The following is an entry in ClinVar:

NM_001145809.2(MYH14):c.3648G>A (p.Thr1216=)

Gene: MYH14 (myosin heavy chain 14; plus strand). Cytogenetic location: 19q13.33.
Variant type: single nucleotide variant.
Coding change: c.3648G>A on transcript NM_001145809.2 (MANE Select); coding-DNA position 3648, G replaced by A.
Protein change: p.Thr1216=; no amino-acid change (threonine 1216 retained).
Molecular consequence: synonymous variant.
Genome position (GRCh38, 1-based): chr19:50,276,171, G>A. VCF-style: chr19-50276171-G-A. GRCh37 (hg19) VCF-style: chr19-50779428-G-A.
Other names: p.Thr1175=; c.3549G>A, p.Thr1183= (NM_001077186.2); c.3525G>A, p.Thr1175= (NM_024729.4).
Identifiers: ClinVar variation 893669 (VCV000893669.6), dbSNP rs769824862, ClinGen allele CA9593275.

ClinVar aggregate classification (germline): Conflicting classifications of pathogenicity. Review status: criteria provided, conflicting classifications (1 of 4 stars). 3 submissions from 3 submitters: Uncertain significance (1); Likely benign (2). Last evaluated 2025-09-02.

Conditions:
Autosomal dominant nonsyndromic hearing loss 4A. Also called: Deafness, autosomal dominant 4A. Identifiers: Orphanet 90635, MedGen C1833503, MONDO:0010915, OMIM 600652.

Allele frequency attached by ClinVar (database versions not stated): TOPMed 0.00001; gnomAD exomes 0.00004; ExAC 0.00011.
gnomAD v4.1: 19 of 1,554,916 alleles (0.0012%); highest among the groups gnomAD compares: South Asian, 0.0071%; no homozygotes.

Submissions (3):

Mayo Clinic Laboratories, Mayo Clinic
Classification: Likely benign. Last evaluated: 2025-09-02. Review status: criteria provided, single submitter. Criteria: ACMG Guidelines, 2015. Collection method: clinical testing. Allele origin: germline. Observed: 1 variant allele.
Comment: BP4, BP7

Labcorp Genetics (formerly Invitae), Labcorp
Classification: Likely benign. Last evaluated: 2025-05-11. Review status: criteria provided, single submitter. Criteria: Invitae Variant Classification Sherloc (09022015). Collection method: clinical testing. Allele origin: germline.

Illumina Laboratory Services, Illumina
Classification: Uncertain significance for Autosomal dominant nonsyndromic hearing loss 4A. Last evaluated: 2018-01-13. Review status: criteria provided, single submitter. Criteria: ICSL Variant Classification Criteria 13 December 2019. Collection method: clinical testing. Allele origin: germline.